The following is an entry in ClinVar:

ClinVar aggregate classification (germline): Uncertain significance (1 of 4 stars; one submission).

Allele frequency attached by ClinVar (database versions not stated): gnomAD 0.00001; ExAC 0.00002.
gnomAD v4.1: 10 of 1,614,032 alleles (0.00062%); highest among the groups gnomAD compares: South Asian, 0.011%; no homozygotes.

Submission:

Labcorp Genetics (formerly Invitae), Labcorp
Classification: Uncertain significance. Last evaluated: 2022-04-22. Review status: criteria provided, single submitter. Criteria: Invitae Variant Classification Sherloc (09022015). Collection method: clinical testing. Allele origin: germline.
Comment: In summary, the available evidence is currently insufficient to determine the role of this variant in disease. Therefore, it has been classified as a Variant of Uncertain Significance. Algorithms developed to predict the effect of missense changes on protein structure and function output the following: SIFT: "Tolerated"; PolyPhen-2: "Benign"; Align-GVGD: "Class C0". The histidine amino acid residue is found in multiple mammalian species, which suggests that this missense change does not adversely affect protein function. This variant has not been reported in the literature in individuals affected with WARS2-related conditions. This variant is present in population databases (rs747204006, gnomAD 0.01%). This sequence change replaces arginine, which is basic and polar, with histidine, which is basic and polar, at codon 292 of the WARS2 protein (p.Arg292His).

NM_015836.4(WARS2):c.875G>A (p.Arg292His)

Gene: WARS2 (tryptophanyl tRNA synthetase 2, mitochondrial; minus strand). Cytogenetic location: 1p12.
Variant type: single nucleotide variant.
Coding change: c.875G>A on transcript NM_015836.4 (MANE Select); coding-DNA position 875, G replaced by A.
Protein change: p.Arg292His; replaces arginine 292 with histidine.
Molecular consequence: missense variant. On other transcripts: 3 prime UTR variant (2).
Genome position (GRCh38, 1-based): chr1:119,033,119, C>T on the plus strand (G>A on the coding strand, the complement: WARS2 is on the minus strand). VCF-style: chr1-119033119-C-T. GRCh37 (hg19) VCF-style: chr1-119575742-C-T.
Other names: c.806G>A, p.Arg269His (NM_001378226.1, NM_001378227.1); c.704G>A, p.Arg235His (NM_001378228.1); c.617G>A, p.Arg206His (NM_001378229.1); c.593G>A, p.Arg198His (NM_001378230.1); c.*210G>A (NM_001378231.1); c.*241G>A (NM_201263.2); short protein forms R198H, R206H, R269H, R235H, R292H.
Identifiers: ClinVar variation 1909121 (VCV001909121.5), dbSNP rs747204006, ClinGen allele CA1035195.